The following is an entry in ClinVar:

ClinVar aggregate classification (germline): Pathogenic (0 of 4 stars; one submission).

Conditions:
KAT6B-related disorder. Also called: KAT6B-related disorders; KAT6B-related condition.

Submission:

PreventionGenetics, part of Exact Sciences
Classification: Pathogenic for KAT6B-related condition. Last evaluated: 2024-01-18. Review status: no assertion criteria provided. Collection method: clinical testing. Allele origin: germline.
Comment: The KAT6B c.4066delG variant is predicted to result in a frameshift and premature protein termination (p.Glu1356Argfs*23). To our knowledge, this variant has not been reported in the literature or in a large population database, indicating this variant is rare. Frameshift variants in KAT6B are expected to be pathogenic. This variant is interpreted as pathogenic.

NM_012330.4(KAT6B):c.4066del (p.Glu1356fs)

Gene: KAT6B (lysine acetyltransferase 6B; plus strand). Cytogenetic location: 10q22.2.
Variant type: Deletion.
Coding change: c.4066del on transcript NM_012330.4 (MANE Select); coding-DNA position 4066, one base deleted (G; older notation c.4066delG).
Protein change: p.Glu1356fs; shifts the reading frame from glutamic acid 1356.
Molecular consequence: frameshift variant.
Genome position (GRCh38, 1-based): chr10:75,028,890, G deleted; the last of 2 consecutive G bases (chr10:75,028,889-75,028,890); deleting either gives the same sequence. VCF-style (leftmost placement, unchanged base first): chr10-75028888-AG-A. GRCh37 (hg19) VCF-style: chr10-76788646-AG-A.
Other names: c.3517del, p.Glu1173fs (NM_001256468.2, NM_001370138.1); c.3190del, p.Glu1064fs (NM_001256469.2, NM_001370139.1, NM_001370140.1 and 2 more transcripts); c.3028del, p.Glu1010fs (NM_001370132.1); c.2377del, p.Glu793fs (NM_001370133.1); c.1981del, p.Glu661fs (NM_001370134.1); c.1723del, p.Glu575fs (NM_001370135.1); c.4066del, p.Glu1356fs (NM_001370136.1, NM_001370137.1); c.3001del, p.Glu1001fs (NM_001370143.1, NM_001370144.1); short protein forms E1001fs, E1010fs, E1064fs, E1173fs, E1356fs, E575fs, E661fs, E793fs.
Identifiers: ClinVar variation 3033869 (VCV003033869.2), dbSNP rs2549199460, ClinGen allele CA2740093034.